The following is an entry in ClinVar:

NM_152564.5(VPS13B):c.8022T>C (p.Ile2674=)

Gene: VPS13B (vacuolar protein sorting 13 homolog B; plus strand). Cytogenetic location: 8q22.2.
Variant type: single nucleotide variant.
Coding change: c.8022T>C on transcript NM_152564.5 (MANE Select); coding-DNA position 8022, T replaced by C.
Protein change: p.Ile2674=; no amino-acid change (isoleucine 2674 retained).
Molecular consequence: synonymous variant.
Genome position (GRCh38, 1-based): chr8:99,809,455, T>C. VCF-style: chr8-99809455-T-C. GRCh37 (hg19) VCF-style: chr8-100821683-T-C.
Other names: c.8097T>C, p.Ile2699= (NM_017890.5).
Identifiers: ClinVar variation 2873364 (VCV002873364.4), dbSNP rs2491976851, ClinGen allele CA462338876.

ClinVar aggregate classification (germline): Likely benign. Review status: criteria provided, multiple submitters, no conflicts (2 of 4 stars). 2 submissions from 2 submitters: Likely benign (2). Last evaluated 2024-10-22.

Conditions:
VPS13B-related disorder. Also called: VPS13B-related condition.
Cohen syndrome (COH1). Also called: PEPPER SYNDROME; Cutis verticis gyrata, retinitis pigmentosa, and sensorineural deafness. Identifiers: Orphanet 193, MedGen C0265223, MONDO:0008999, OMIM 216550.

Allele frequency attached by ClinVar (database versions not stated): gnomAD exomes below 0.00001.
gnomAD v4.1: 2 of 1,614,072 alleles (0.00012%); highest among the groups gnomAD compares: African/African-American, 0.0013%; no homozygotes.

Submissions (2):

PreventionGenetics, part of Exact Sciences
Classification: Likely benign for VPS13B-related condition. Last evaluated: 2024-10-22. Review status: criteria provided, single submitter. Criteria: ACMG Guidelines, 2015. Collection method: clinical testing. Allele origin: germline.
Comment: This variant is classified as likely benign based on ACMG/AMP sequence variant interpretation guidelines (Richards et al. 2015 PMID: 25741868, with internal and published modifications).

Labcorp Genetics (formerly Invitae), Labcorp
Classification: Likely benign for Cohen syndrome. Last evaluated: 2024-10-08. Review status: criteria provided, single submitter. Criteria: Invitae Variant Classification Sherloc (09022015). Collection method: clinical testing. Allele origin: germline.